The following is an entry in ClinVar:

ClinVar aggregate classification (germline): Uncertain significance. Review status: criteria provided, multiple submitters, no conflicts (2 of 4 stars). 3 submissions from 3 submitters: Uncertain significance (3). Last evaluated 2024-11-11.

Conditions:
Inborn genetic diseases. Identifiers: MedGen C0950123, MeSH D030342.
Hereditary sensory neuropathy-deafness-dementia syndrome. Also called: NEUROPATHY, HEREDITARY SENSORY, WITH HEARING LOSS AND DEMENTIA; Hereditary sensory neuropathy type IE; Hereditary Sensory and Autonomic Neuropathy Type 1E (HSAN1E); HSN IE. Identifiers: Orphanet 456318, MedGen C3279885, MONDO:0013584, OMIM 614116.

Allele frequency attached by ClinVar (database versions not stated): gnomAD exomes 0.00001 and 0.00003; TOPMed 0.00002; ExAC 0.00004; gnomAD 0.00004 and 0.00005; ESP Exome Variant Server 0.00008.
gnomAD v4.1: 26 of 1,613,776 alleles (0.0016%); highest among the groups gnomAD compares: Admixed American, 0.0017%; no homozygotes.

Submissions (3):

Labcorp Genetics (formerly Invitae), Labcorp
Classification: Uncertain significance for Hereditary sensory neuropathy-deafness-dementia syndrome. Last evaluated: 2024-11-11. Review status: criteria provided, single submitter. Criteria: Invitae Variant Classification Sherloc (09022015). Collection method: clinical testing. Allele origin: germline.
Comment: This sequence change replaces threonine, which is neutral and polar, with methionine, which is neutral and non-polar, at codon 824 of the DNMT1 protein (p.Thr824Met). This variant is present in population databases (rs140993011, gnomAD 0.01%). This variant has not been reported in the literature in individuals affected with DNMT1-related conditions. ClinVar contains an entry for this variant (Variation ID: 968621). Invitae Evidence Modeling of protein sequence and biophysical properties (such as structural, functional, and spatial information, amino acid conservation, physicochemical variation, residue mobility, and thermodynamic stability) indicates that this missense variant is not expected to disrupt DNMT1 protein function with a negative predictive value of 80%. In summary, the available evidence is currently insufficient to determine the role of this variant in disease. Therefore, it has been classified as a Variant of Uncertain Significance.

Women's Health and Genetics/Laboratory Corporation of America, LabCorp
Classification: Uncertain significance. Last evaluated: 2023-10-16. Review status: criteria provided, single submitter. Criteria: LabCorp Variant Classification Summary - May 2015. Collection method: clinical testing. Allele origin: germline.
Comment: Variant summary: DNMT1 c.2471C>T (p.Thr824Met) results in a non-conservative amino acid change located in the Bromo adjacent homology (BAH) domain (IPR001025) of the encoded protein sequence. Four of five in-silico tools predict a damaging effect of the variant on protein function. The variant allele was found at a frequency of 3.2e-05 in 251212 control chromosomes (gnomAD). The available data on variant occurrences in the general population are insufficient to allow any conclusion about variant significance. To our knowledge, no occurrence of c.2471C>T in individuals affected with Hereditary Sensory Neuropathy-Deafness Syndrome and no experimental evidence demonstrating its impact on protein function have been reported. Two submitters have cited clinical-significance assessments for this variant to ClinVar after 2014. Both submitters classified the variant as uncertain significance. Based on the evidence outlined above, the variant was classified as uncertain significance.

Ambry Genetics
Classification: Uncertain significance for Inborn genetic diseases. Last evaluated: 2021-01-12. Review status: criteria provided, single submitter. Criteria: Ambry Variant Classification Scheme 2023. Collection method: clinical testing. Allele origin: germline.
Comment: The p.T808M variant (also known as c.2423C>T), located in coding exon 25 of the DNMT1 gene, results from a C to T substitution at nucleotide position 2423. The threonine at codon 808 is replaced by methionine, an amino acid with similar properties. This amino acid position is well conserved in available vertebrate species. In addition, the in silico prediction for this alteration is inconclusive. Since supporting evidence is limited at this time, the clinical significance of this alteration remains unclear.

NM_001130823.3(DNMT1):c.2471C>T (p.Thr824Met)

Gene: DNMT1 (DNA methyltransferase 1; minus strand). Cytogenetic location: 19p13.2.
Variant type: single nucleotide variant.
Coding change: c.2471C>T on transcript NM_001130823.3 (MANE Select); coding-DNA position 2471, C replaced by T.
Protein change: p.Thr824Met; replaces threonine 824 with methionine.
Molecular consequence: missense variant.
Genome position (GRCh38, 1-based): chr19:10,149,568, G>A on the plus strand (C>T on the coding strand, the complement: DNMT1 is on the minus strand). VCF-style: chr19-10149568-G-A. GRCh37 (hg19) VCF-style: chr19-10260244-G-A.
Other names: c.2423C>T, p.Thr808Met (NM_001318730.2, NM_001379.4); c.2108C>T, p.Thr703Met (NM_001318731.2); short protein forms T703M, T808M, T824M.
Identifiers: ClinVar variation 968621 (VCV000968621.12), dbSNP rs140993011, ClinGen allele CA9188037.